The following is an entry in ClinVar:

ClinVar aggregate classification (germline): Uncertain significance. Review status: criteria provided, multiple submitters, no conflicts (2 of 4 stars). 2 submissions from 2 submitters: Uncertain significance (2). Last evaluated 2022-08-19.

Conditions:
Multiple congenital anomalies-hypotonia-seizures syndrome 1 (MCAHS1). Also called: GLYCOSYLPHOSPHATIDYLINOSITOL BIOSYNTHESIS DEFECT 3; PIGN-CDG; Congenital disorder of glycosylation due to PIGN deficiency. Identifiers: Orphanet 280633, MedGen C3279775, MONDO:0013563, OMIM 614080.

Allele frequency attached by ClinVar (database versions not stated): gnomAD 0.00001; TOPMed 0.00001.
gnomAD v4.1: 15 of 1,560,564 alleles (0.00096%); highest among the groups gnomAD compares: African/African-American, 0.0014%; no homozygotes.

Submissions (2):

Labcorp Genetics (formerly Invitae), Labcorp
Classification: Uncertain significance for Multiple congenital anomalies-hypotonia-seizures syndrome 1. Last evaluated: 2022-08-19. Review status: criteria provided, single submitter. Criteria: Invitae Variant Classification Sherloc (09022015). Collection method: clinical testing. Allele origin: germline.
Comment: This sequence change replaces isoleucine, which is neutral and non-polar, with threonine, which is neutral and polar, at codon 773 of the PIGN protein (p.Ile773Thr). This variant is not present in population databases (gnomAD no frequency). This variant has not been reported in the literature in individuals affected with PIGN-related conditions. ClinVar contains an entry for this variant (Variation ID: 650040). Algorithms developed to predict the effect of missense changes on protein structure and function (SIFT, PolyPhen-2, Align-GVGD) all suggest that this variant is likely to be tolerated. Algorithms developed to predict the effect of sequence changes on RNA splicing suggest that this variant may create or strengthen a splice site. In summary, the available evidence is currently insufficient to determine the role of this variant in disease. Therefore, it has been classified as a Variant of Uncertain Significance.

GeneDx
Classification: Uncertain significance. Last evaluated: 2019-04-16. Review status: criteria provided, single submitter. Criteria: GeneDx Variant Classification Process June 2021. Collection method: clinical testing. Allele origin: germline. Affected: yes.
Comment: Not observed in large population cohorts (Lek et al., 2016); In silico analysis, which includes protein predictors and evolutionary conservation, supports that this variant does not alter protein structure/function; Has not been previously published as pathogenic or benign to our knowledge

NM_176787.5(PIGN):c.2318T>C (p.Ile773Thr)

Gene: PIGN (phosphatidylinositol glycan anchor biosynthesis class N; minus strand). Cytogenetic location: 18q21.33.
Variant type: single nucleotide variant.
Coding change: c.2318T>C on transcript NM_176787.5 (MANE Select); coding-DNA position 2318, T replaced by C.
Protein change: p.Ile773Thr; replaces isoleucine 773 with threonine.
Molecular consequence: missense variant.
Genome position (GRCh38, 1-based): chr18:62,088,808, A>G on the plus strand (T>C on the coding strand, the complement: PIGN is on the minus strand). VCF-style: chr18-62088808-A-G. GRCh37 (hg19) VCF-style: chr18-59756041-A-G.
Other names: c.2318T>C, p.Ile773Thr (NM_012327.6); short protein forms I773T.
Identifiers: ClinVar variation 650040 (VCV000650040.7), dbSNP rs958638006, ClinGen allele CA301694077.